The following is an entry in ClinVar:

ClinVar aggregate classification (germline): Benign/Likely benign. Review status: criteria provided, multiple submitters, no conflicts (2 of 4 stars). 11 submissions from 11 submitters: Benign (6); Likely benign (1). 4 of the submissions do not count toward it. Last evaluated 2026-02-04.

Conditions:
Niemann-Pick disease, type B. Also called: Chronic Visceral ASMD (Niemann-Pick Disease Type B; NPD-B). Identifiers: Orphanet 77293, MedGen C0268243, MONDO:0011871, OMIM 607616. Disease mechanism: loss of function.
Niemann-Pick disease, type A. Also called: SPHINGOMYELIN LIPIDOSIS; SPHINGOMYELINASE DEFICIENCY; Infantile Neurovisceral ASMD (Niemann-Pick Disease Type A; NPD-A). Identifiers: Orphanet 77292, MedGen C0268242, MONDO:0009756, OMIM 257200. Disease mechanism: loss of function.

Allele frequency attached by ClinVar (database versions not stated): 1000 Genomes Project 30x 0.01202; 1000 Genomes Project 0.01218; TOPMed 0.01444; ESP Exome Variant Server 0.01655; gnomAD 0.01843; gnomAD exomes 0.01951 and 0.02232; ExAC 0.02002.

Submissions (11):

Labcorp Genetics (formerly Invitae), Labcorp
Classification: Benign for Niemann-Pick disease, type B; Niemann-Pick disease, type A. Last evaluated: 2026-02-04. Review status: criteria provided, single submitter. Criteria: Invitae Variant Classification Sherloc (09022015). Collection method: clinical testing. Allele origin: germline.

Blueprint Genetics
Classification: Likely benign. Last evaluated: 2024-11-27. Review status: criteria provided, single submitter. Criteria: ACMG Guidelines, 2015. Collection method: clinical testing. Allele origin: germline.

Genome-Nilou Lab
Classification: Benign for Niemann-Pick disease, type A. Last evaluated: 2021-05-18. Review status: criteria provided, single submitter. Criteria: ACMG Guidelines, 2015. Collection method: clinical testing. Allele origin: germline. Affected: no.

Illumina Laboratory Services, Illumina
Classification: Benign for Niemann-Pick disease, type A. Last evaluated: 2018-01-13. Review status: criteria provided, single submitter. Criteria: ICSL Variant Classification Criteria 13 December 2019. Collection method: clinical testing. Allele origin: germline.
Comment: This variant was observed in the ICSL laboratory as part of a predisposition screen in an ostensibly healthy population. It had not been previously curated by ICSL or reported in the Human Gene Mutation Database (HGMD: prior to June 1st, 2018), and was therefore a candidate for classification through an automated scoring system. Utilizing variant allele frequency, disease prevalence and penetrance estimates, and inheritance mode, an automated score was calculated to assess if this variant is too frequent to cause the disease. Based on the score and internal cut-off values, a variant classified as benign is not then subjected to further curation. The score for this variant resulted in a classification of benign for this disease.

GeneDx
Classification: Benign. Last evaluated: 2015-03-03. Review status: criteria provided, single submitter. Criteria: GeneDx Variant Classification Process June 2021. Collection method: clinical testing. Allele origin: germline. Affected: yes.

Breakthrough Genomics
Classification: Benign. Review status: criteria provided, single submitter. Criteria: ACMG Guidelines, 2015. Collection method: not provided. Allele origin: germline. Inheritance: Autosomal recessive inheritance. Affected: yes.

PreventionGenetics, part of Exact Sciences
Classification: Benign. Review status: criteria provided, single submitter. Criteria: ACMG Guidelines, 2015. Collection method: clinical testing. Allele origin: germline.

Mayo Clinic Laboratories, Mayo Clinic
Classification: Benign. Last evaluated: 2017-05-31. Review status: no assertion criteria provided. Collection method: clinical testing. Allele origin: unknown. Not counted in ClinVar's aggregate classification.

Natera, Inc.
Classification: Benign for Niemann-Pick Disease, Types A/B. Last evaluated: 2017-05-08. Review status: no assertion criteria provided. Collection method: clinical testing. Allele origin: germline. Not counted in ClinVar's aggregate classification.

Clinical Genetics DNA and cytogenetics Diagnostics Lab, Erasmus MC, Erasmus Medical Center
Classification: Benign. Review status: no assertion criteria provided. Collection method: clinical testing. Allele origin: germline. Affected: yes. Study: VKGL Data-share Consensus. Not counted in ClinVar's aggregate classification.

Genome Diagnostics Laboratory, University Medical Center Utrecht
Classification: Benign. Review status: no assertion criteria provided. Collection method: clinical testing. Allele origin: germline. Affected: yes. Study: VKGL Data-share Consensus. Not counted in ClinVar's aggregate classification.

NM_000543.5(SMPD1):c.1749G>A (p.Ser583=)

Gene: SMPD1 (sphingomyelin phosphodiesterase 1; plus strand). Cytogenetic location: 11p15.4.
Variant type: single nucleotide variant.
Coding change: c.1749G>A on transcript NM_000543.5 (MANE Select); coding-DNA position 1749, G replaced by A.
Protein change: p.Ser583=; no amino-acid change (serine 583 retained).
Molecular consequence: synonymous variant. On other transcripts: 3 prime UTR variant (1), non-coding transcript variant (2).
Genome position (GRCh38, 1-based): chr11:6,394,460, G>A. VCF-style: chr11-6394460-G-A. GRCh37 (hg19) VCF-style: chr11-6415690-G-A.
Other names: c.1746G>A, p.Ser582= (NM_001007593.3); c.*242G>A (NM_001318087.2); c.828G>A, p.Ser276= (NM_001318088.2); c.1617G>A, p.Ser539= (NM_001365135.2).
Identifiers: ClinVar variation 256593 (VCV000256593.29), dbSNP rs35098198, ClinGen allele CA5852982.